The following is an entry in ClinVar:

NM_002951.5(RPN2):c.196C>T (p.Pro66Ser)

Gene: RPN2 (ribophorin II; plus strand). Cytogenetic location: 20q11.23.
Variant type: single nucleotide variant.
Coding change: c.196C>T on transcript NM_002951.5 (MANE Select); coding-DNA position 196, C replaced by T.
Protein change: p.Pro66Ser; replaces proline 66 with serine.
Molecular consequence: missense variant. On other transcripts: 5 prime UTR variant (1).
Genome position (GRCh38, 1-based): chr20:37,184,362, C>T. VCF-style: chr20-37184362-C-T. GRCh37 (hg19) VCF-style: chr20-35812765-C-T.
Other names: c.196C>T (NM_002951.3); c.196C>T, p.Pro66Ser (NM_001135771.3, NM_001324299.2, NM_001324301.2 and 4 more transcripts); c.-4C>T (NM_001324306.2); short protein forms P66S.
Identifiers: ClinVar variation 195185 (VCV000195185.10), dbSNP rs148488636, ClinGen allele CA241486.
Genomic context (GRCh38, chr20:37,184,362, plus strand): 5'-ACAAATTTGGAATCTGCCTTCTACTCCATCGTGGGACTCAGCAGCCTTGGTGCTCAGGTG[C>T]CAGATGCAAAGGTAAGGCTGCTTTTGTCCTGGTGGTCAGGGTGGTTCAGGAGAACCTTCA-3'
Protein context (NP_002942.2, residues 56-76): VGLSSLGAQV[Pro66Ser]DAKKACTYIR

ClinVar aggregate classification (germline): Uncertain significance. Review status: criteria provided, multiple submitters, no conflicts (2 of 4 stars). 3 submissions from 3 submitters: Uncertain significance (3). Last evaluated 2025-09-22.

Conditions:
Congenital disorder of glycosylation (CDG). Also called: Carbohydrate-deficient glycoprotein syndrome; Congenital disorders of glycosylation. Identifiers: Orphanet 137, MedGen C0282577, MONDO:0015286.

Allele frequency attached by ClinVar (database versions not stated): gnomAD exomes 0.00002 and 0.00004; ExAC 0.00003; gnomAD 0.00003 and 0.00005; TOPMed 0.00006; ESP Exome Variant Server 0.00008.
gnomAD v4.1: 34 of 1,613,914 alleles (0.0021%); highest among the groups gnomAD compares: Admixed American, 0.015%; no homozygotes.

Submissions (3):

Ambry Genetics
Classification: Uncertain significance. Last evaluated: 2025-09-22. Review status: criteria provided, single submitter. Criteria: Ambry Variant Classification Scheme 2023. Collection method: clinical testing. Allele origin: germline.

Labcorp Genetics (formerly Invitae), Labcorp
Classification: Uncertain significance for Congenital disorder of glycosylation. Last evaluated: 2025-08-06. Review status: criteria provided, single submitter. Criteria: Invitae Variant Classification Sherloc (09022015). Collection method: clinical testing. Allele origin: germline.
Comment: This sequence change replaces proline, which is neutral and non-polar, with serine, which is neutral and polar, at codon 66 of the RPN2 protein (p.Pro66Ser). This variant is present in population databases (rs148488636, gnomAD 0.02%). This variant has not been reported in the literature in individuals affected with RPN2-related conditions. ClinVar contains an entry for this variant (Variation ID: 195185). An algorithm developed to predict the effect of missense changes on protein structure and function (PolyPhen-2) suggests that this variant is likely to be tolerated. In summary, the available evidence is currently insufficient to determine the role of this variant in disease. Therefore, it has been classified as a Variant of Uncertain Significance.

Eurofins Ntd Llc (ga)
Classification: Uncertain significance. Last evaluated: 2014-12-23. Review status: criteria provided, single submitter. Criteria: EGL Classification Definitions 2015. Collection method: clinical testing. Allele origin: germline. Observed: 1 variant allele, 1 heterozygote.